The following is an entry in ClinVar:

NM_012062.5(DNM1L):c.1647C>T (p.Pro549=)

Gene: DNM1L (dynamin 1 like; plus strand). Cytogenetic location: 12p11.21.
Variant type: single nucleotide variant.
Coding change: c.1647C>T on transcript NM_012062.5 (MANE Select); coding-DNA position 1647, C replaced by T.
Protein change: p.Pro549=; no amino-acid change (proline 549 retained).
Molecular consequence: synonymous variant. On other transcripts: intron variant (3).
Genome position (GRCh38, 1-based): chr12:32,737,915, C>T. VCF-style: chr12-32737915-C-T. GRCh37 (hg19) VCF-style: chr12-32890849-C-T.
Other names: c.1647C>T, p.Pro549= (NM_001278463.2); c.1686C>T, p.Pro562= (NM_001278464.2, NM_001278465.2); c.1038C>T, p.Pro346= (NM_001278466.2); c.1635+754C>T (NM_001330380.2); c.1597-349C>T (NM_012063.4); c.1596+754C>T (NM_005690.5).
Identifiers: ClinVar variation 512665 (VCV000512665.8), dbSNP rs141224536, ClinGen allele CA6507634.

ClinVar aggregate classification (germline): Likely benign. Review status: criteria provided, multiple submitters, no conflicts (2 of 4 stars). 2 submissions from 2 submitters: Likely benign (2). Last evaluated 2025-05-05.

Allele frequency attached by ClinVar (database versions not stated): gnomAD 0.00005 and 0.00004; TOPMed 0.00006; ESP Exome Variant Server 0.00015.
gnomAD v4.1: 46 of 1,613,860 alleles (0.0029%); highest among the groups gnomAD compares: Non-Finnish European, 0.0033%; no homozygotes.

Submissions (2):

Labcorp Genetics (formerly Invitae), Labcorp
Classification: Likely benign. Last evaluated: 2025-05-05. Review status: criteria provided, single submitter. Criteria: Invitae Variant Classification Sherloc (09022015). Collection method: clinical testing. Allele origin: germline.

GeneDx
Classification: Likely benign. Last evaluated: 2017-10-27. Review status: criteria provided, single submitter. Criteria: GeneDx Variant Classification (06012015). Collection method: clinical testing. Allele origin: germline. Affected: yes.
Comment: This variant is considered likely benign or benign based on one or more of the following criteria: it is a conservative change, it occurs at a poorly conserved position in the protein, it is predicted to be benign by multiple in silico algorithms, and/or has population frequency not consistent with disease.